The following is an entry in ClinVar:

NM_014974.3(DIP2C):c.4369A>G (p.Ile1457Val)

Gene: DIP2C (DIP2 acetate--CoA ligase C (putative); minus strand). Cytogenetic location: 10p15.3.
Variant type: single nucleotide variant.
Coding change: c.4369A>G on transcript NM_014974.3 (MANE Select); coding-DNA position 4369, A replaced by G.
Protein change: p.Ile1457Val; replaces isoleucine 1457 with valine.
Molecular consequence: missense variant.
Genome position (GRCh38, 1-based): chr10:281,249, T>C on the plus strand (A>G on the coding strand, the complement: DIP2C is on the minus strand). VCF-style: chr10-281249-T-C. GRCh37 (hg19) VCF-style: chr10-327189-T-C.
Other names: c.4369A>G (NM_014974.2); short protein forms I1457V.
Identifiers: ClinVar variation 2895028 (VCV002895028.4), dbSNP rs144394778, ClinGen allele CA5379437.
Genomic context (GRCh38, chr10:281,249, plus strand): 5'-TCACGACTTACCATTCCGTAACGCTTTTATGGGCTCTGATGACCGAGGTCTCAATGTCGA[T>C]TGGGTGGTACCGCATGCCCCGCAGCTCCATGGCTTCGTCCAGTGCCCCTACCACGTAGAG-3'
Protein context (NP_055789.1, residues 1447-1467): MELRGMRYHP[Ile1457Val]DIETSVIRAH

ClinVar aggregate classification (germline): Uncertain significance. Review status: criteria provided, multiple submitters, no conflicts (2 of 4 stars). 2 submissions from 2 submitters: Uncertain significance (2). Last evaluated 2024-04-08.

Conditions:
Inborn genetic diseases. Identifiers: MedGen C0950123, MeSH D030342.

Allele frequency attached by ClinVar (database versions not stated): gnomAD 0.00001; ExAC 0.00002; gnomAD exomes 0.00002; TOPMed 0.00002; ESP Exome Variant Server 0.00008.
gnomAD v4.1: 35 of 1,614,096 alleles (0.0022%); highest among the groups gnomAD compares: Non-Finnish European, 0.0026%; no homozygotes.

Submissions (2):

Ambry Genetics
Classification: Uncertain significance for Inborn genetic diseases. Last evaluated: 2024-04-08. Review status: criteria provided, single submitter. Criteria: Ambry Variant Classification Scheme 2023. Collection method: clinical testing. Allele origin: germline.

Labcorp Genetics (formerly Invitae), Labcorp
Classification: Uncertain significance. Last evaluated: 2022-12-15. Review status: criteria provided, single submitter. Criteria: Invitae Variant Classification Sherloc (09022015). Collection method: clinical testing. Allele origin: germline.
Comment: In summary, the available evidence is currently insufficient to determine the role of this variant in disease. Therefore, it has been classified as a Variant of Uncertain Significance. Algorithms developed to predict the effect of missense changes on protein structure and function (SIFT, PolyPhen-2, Align-GVGD) all suggest that this variant is likely to be tolerated. This variant has not been reported in the literature in individuals affected with DIP2C-related conditions. This variant is present in population databases (rs144394778, gnomAD 0.006%). This sequence change replaces isoleucine, which is neutral and non-polar, with valine, which is neutral and non-polar, at codon 1457 of the DIP2C protein (p.Ile1457Val).